The following is an entry in ClinVar:

NM_016203.4(PRKAG2):c.937A>C (p.Ser313Arg)

Gene: PRKAG2 (protein kinase AMP-activated non-catalytic subunit gamma 2; minus strand). Cytogenetic location: 7q36.1.
Variant type: single nucleotide variant.
Coding change: c.937A>C on transcript NM_016203.4 (MANE Select); coding-DNA position 937, A replaced by C.
Protein change: p.Ser313Arg; replaces serine 313 with arginine.
Molecular consequence: missense variant.
Genome position (GRCh38, 1-based): chr7:151,576,380, T>G on the plus strand (A>C on the coding strand, the complement: PRKAG2 is on the minus strand). VCF-style: chr7-151576380-T-G. GRCh37 (hg19) VCF-style: chr7-151273466-T-G.
Other names: c.805A>C, p.Ser269Arg (NM_001040633.2, NM_001407024.1); c.562A>C, p.Ser188Arg (NM_001304527.2, NM_001407029.1); c.214A>C, p.Ser72Arg (NM_001304531.2, NM_001407034.1, NM_001407035.1 and 1 more transcripts); c.565A>C, p.Ser189Arg (NM_001363698.2, NM_001407028.1); c.937A>C, p.Ser313Arg (NM_001407021.1); c.934A>C, p.Ser312Arg (NM_001407022.1, NM_001407023.1); c.802A>C, p.Ser268Arg (NM_001407026.1, NM_001407027.1); c.649A>C, p.Ser217Arg (NM_001407030.1); and 6 more; short protein forms S188R, S189R, S312R, S313R, S207R, S217R, S71R, S269R.
Identifiers: ClinVar variation 1766729 (VCV001766729.2), dbSNP rs768031903, ClinGen allele CA058763.

ClinVar aggregate classification (germline): Uncertain significance (1 of 4 stars; one submission).

Conditions:
Cardiovascular phenotype. Identifiers: MedGen CN230736.

Allele frequency attached by ClinVar (database versions not stated): gnomAD exomes below 0.00001; ExAC 0.00001.
gnomAD v4.1: 1 of 1,606,344 alleles (0.000062%); highest among the groups gnomAD compares: Non-Finnish European, 0.000085%; no homozygotes.

Submission:

Ambry Genetics
Classification: Uncertain significance for Cardiovascular phenotype. Last evaluated: 2021-10-11. Review status: criteria provided, single submitter. Criteria: Ambry Variant Classification Scheme 2023. Collection method: clinical testing. Allele origin: germline.
Comment: The p.S313R variant (also known as c.937A>C), located in coding exon 7 of the PRKAG2 gene, results from an A to C substitution at nucleotide position 937. The serine at codon 313 is replaced by arginine, an amino acid with dissimilar properties. This amino acid position is conserved. In addition, the in silico prediction for this alteration is inconclusive. Since supporting evidence is limited at this time, the clinical significance of this alteration remains unclear.